The following is an entry in ClinVar:

ClinVar aggregate classification (germline): Pathogenic (1 of 4 stars; one submission).

Submission:

Labcorp Genetics (formerly Invitae), Labcorp
Classification: Pathogenic. Last evaluated: 2023-07-31. Review status: criteria provided, single submitter. Criteria: Invitae Variant Classification Sherloc (09022015). Collection method: clinical testing. Allele origin: germline.
Comment: For these reasons, this variant has been classified as Pathogenic. This variant has not been reported in the literature in individuals affected with NEU1-related conditions. This variant is not present in population databases (gnomAD no frequency). This sequence change creates a premature translational stop signal (p.Ala141Glyfs*7) in the NEU1 gene. It is expected to result in an absent or disrupted protein product. Loss-of-function variants in NEU1 are known to be pathogenic (PMID: 11063730, 14517945).

Literature cited by the submitters: PubMed 11063730; PubMed 14517945.

NM_000434.4(NEU1):c.421dup (p.Ala141fs)

Gene: NEU1 (neuraminidase 1; minus strand). Cytogenetic location: 6p21.33.
Variant type: Duplication.
Coding change: c.421dup on transcript NM_000434.4 (MANE Select); coding-DNA position 421, one base duplicated (G; older notation c.421dupG).
Protein change: p.Ala141fs; shifts the reading frame from alanine 141.
Molecular consequence: frameshift variant.
Genome position (GRCh38, 1-based): chr6:31,861,382, C duplicated on the plus strand (G on the coding strand, the reverse complement: NEU1 is on the minus strand); the first of 4 consecutive C bases (chr6:31,861,382-31,861,385); duplicating any one gives the same sequence. VCF-style (leftmost placement, unchanged base first): chr6-31861381-G-GC. GRCh37 (hg19) VCF-style: chr6-31829158-G-GC.
Other names: short protein forms A141fs.
Identifiers: ClinVar variation 2742954 (VCV002742954.3), dbSNP rs2481402996, ClinGen allele CA2697546658.